The following is an entry in ClinVar:

ClinVar aggregate classification (germline): Uncertain significance. Review status: criteria provided, multiple submitters, no conflicts (2 of 4 stars). 3 submissions from 3 submitters: Uncertain significance (3). Last evaluated 2024-10-30.

Conditions:
Inborn genetic diseases. Identifiers: MedGen C0950123, MeSH D030342.

Allele frequency attached by ClinVar (database versions not stated): ExAC 0.00002; gnomAD exomes 0.00002 and 0.00003; gnomAD 0.00005 and 0.00006; TOPMed 0.00006; ESP Exome Variant Server 0.00008.

Submissions (3):

Labcorp Genetics (formerly Invitae), Labcorp
Classification: Uncertain significance. Last evaluated: 2024-10-30. Review status: criteria provided, single submitter. Criteria: Invitae Variant Classification Sherloc (09022015). Collection method: clinical testing. Allele origin: germline.
Comment: This sequence change replaces glycine, which is neutral and non-polar, with glutamic acid, which is acidic and polar, at codon 134 of the GTPBP3 protein (p.Gly134Glu). This variant is present in population databases (rs375701585, gnomAD 0.006%). This variant has not been reported in the literature in individuals affected with GTPBP3-related conditions. ClinVar contains an entry for this variant (Variation ID: 1415109). Invitae Evidence Modeling of protein sequence and biophysical properties (such as structural, functional, and spatial information, amino acid conservation, physicochemical variation, residue mobility, and thermodynamic stability) indicates that this missense variant is not expected to disrupt GTPBP3 protein function with a negative predictive value of 80%. In summary, the available evidence is currently insufficient to determine the role of this variant in disease. Therefore, it has been classified as a Variant of Uncertain Significance.

Mayo Clinic Laboratories, Mayo Clinic
Classification: Uncertain significance. Last evaluated: 2024-04-30. Review status: criteria provided, single submitter. Criteria: ACMG Guidelines, 2015. Collection method: clinical testing. Allele origin: germline. Observed: 1 variant allele.
Comment: PM2

Ambry Genetics
Classification: Uncertain significance for Inborn genetic diseases. Last evaluated: 2021-06-16. Review status: criteria provided, single submitter. Criteria: Ambry Variant Classification Scheme 2023. Collection method: clinical testing. Allele origin: germline.

NM_032620.4(GTPBP3):c.401G>A (p.Gly134Glu)

Gene: GTPBP3 (GTP binding protein 3, mitochondrial; plus strand). Cytogenetic location: 19p13.11.
Variant type: single nucleotide variant.
Coding change: c.401G>A on transcript NM_032620.4 (MANE Select); coding-DNA position 401, G replaced by A.
Protein change: p.Gly134Glu; replaces glycine 134 with glutamic acid.
Molecular consequence: missense variant.
Genome position (GRCh38, 1-based): chr19:17,338,551, G>A. VCF-style: chr19-17338551-G-A. GRCh37 (hg19) VCF-style: chr19-17449360-G-A.
Other names: p.Gly134Glu; c.401G>A, p.Gly134Glu (NM_001128855.3, NM_133644.4); c.467G>A, p.Gly156Glu (NM_001195422.1); c.401G>A (NM_133644.3); short protein forms G134E, G156E.
Identifiers: ClinVar variation 1415109 (VCV001415109.8), dbSNP rs375701585, ClinGen allele CA9293348.
Genomic context (GRCh38, chr19:17,338,551, plus strand): 5'-TGGGCCTGGGTGGGGACCAGGGGGTGTCAGACTGGGACCTTCCTGCAGGCAGCGTGCCAG[G>A]GCTTCGACCGGCGGAGGCAGGCGAGTTCACCAGACGGGCGTTCGCCAATGGGAAGCTGAA-3'
Protein context (NP_116009.2, residues 124-144): GVLQALGSVP[Gly134Glu]LRPAEAGEFT